The following is an entry in ClinVar:

NM_001569.4(IRAK1):c.338C>T (p.Thr113Ile)

Genes: IRAK1 (interleukin 1 receptor associated kinase 1; minus strand), LOC130068849 (ATAC-STARR-seq lymphoblastoid silent region 21080; plus strand). Cytogenetic location: Xq28.
Variant type: single nucleotide variant.
Coding change: c.338C>T on transcript NM_001569.4 (MANE Select); coding-DNA position 338, C replaced by T.
Protein change: p.Thr113Ile; replaces threonine 113 with isoleucine.
Molecular consequence: missense variant.
Genome position (GRCh38, 1-based): chrX:154,019,295, G>A on the plus strand (C>T on the coding strand, the complement: IRAK1 is on the minus strand). VCF-style: chrX-154019295-G-A. GRCh37 (hg19) VCF-style: chrX-153284746-G-A.
Other names: c.338C>T, p.Thr113Ile (NM_001025242.2, NM_001025243.2); c.416C>T, p.Thr139Ile (NM_001410701.1); short protein forms T113I, T139I.
Identifiers: ClinVar variation 3051065 (VCV003051065.3), dbSNP rs11465829, ClinGen allele CA10558358.

ClinVar aggregate classification (germline): Likely benign. Review status: criteria provided, single submitter (1 of 4 stars). 2 submissions from 2 submitters: Likely benign (1). 1 of the submissions does not count toward it. Last evaluated 2024-08-06.

Conditions:
IRAK1-related disorder. Also called: IRAK1-related condition.

Allele frequency attached by ClinVar (database versions not stated): gnomAD exomes 0.00030; ExAC 0.00132; gnomAD 0.00337; TOPMed 0.00371; 1000 Genomes Project 30x 0.00229; 1000 Genomes Project 0.00238; ESP Exome Variant Server 0.00328.
gnomAD v4.1: 704 of 1,179,865 alleles (0.06%); highest among the groups gnomAD compares: African/African-American, 1.1%; 3 homozygotes.

Submissions (2):

Blueprint Genetics
Classification: Likely benign. Last evaluated: 2024-08-06. Review status: criteria provided, single submitter. Criteria: ACMG Guidelines, 2015. Collection method: clinical testing. Allele origin: germline.

PreventionGenetics, part of Exact Sciences
Classification: Benign for IRAK1-related condition. Last evaluated: 2022-06-12. Review status: no assertion criteria provided. Collection method: clinical testing. Allele origin: germline. Not counted in ClinVar's aggregate classification.
Comment: This variant is classified as benign based on ACMG/AMP sequence variant interpretation guidelines (Richards et al. 2015 PMID: 25741868, with internal and published modifications).